The following is an entry in ClinVar:

NM_015909.4(NBAS):c.647+1G>T

Gene: NBAS (NBAS subunit of NRZ tethering complex; minus strand). Cytogenetic location: 2p24.3.
Variant type: single nucleotide variant.
Coding change: c.647+1G>T on transcript NM_015909.4 (MANE Select); the canonical splice donor site of the intron after coding-DNA position 647, G replaced by T.
Molecular consequence: splice donor variant.
Genome position (GRCh38, 1-based): chr2:15,536,417, C>A on the plus strand (G>T on the coding strand, the complement: NBAS is on the minus strand). VCF-style: chr2-15536417-C-A. GRCh37 (hg19) VCF-style: chr2-15676541-C-A.
Identifiers: ClinVar variation 2700458 (VCV002700458.3), dbSNP rs2527938178, ClinGen allele CA345885865.
Genomic context (GRCh38, chr2:15,536,417, plus strand): 5'-CTGACATTAAACCAGAGAAATAAACATTATTTCAAATATGGCTTCCAAAGCACATTTTTA[C>A]CTTACAAGGTAACTTCTAAGTTCTCCTCGGTAATTGATGACCAGGAGTTCTGCAGACCAC-3'

ClinVar aggregate classification (germline): Likely pathogenic (1 of 4 stars; one submission).

Submission:

Labcorp Genetics (formerly Invitae), Labcorp
Classification: Likely pathogenic. Last evaluated: 2023-12-02. Review status: criteria provided, single submitter. Criteria: Invitae Variant Classification Sherloc (09022015). Collection method: clinical testing. Allele origin: germline.
Comment: This sequence change affects a donor splice site in intron 8 of the NBAS gene. It is expected to disrupt RNA splicing. Variants that disrupt the donor or acceptor splice site typically lead to a loss of protein function (PMID: 16199547), and loss-of-function variants in NBAS are known to be pathogenic (PMID: 26073778, 26541327, 27789416, 28031453). This variant is not present in population databases (gnomAD no frequency). This variant has not been reported in the literature in individuals affected with NBAS-related conditions. Algorithms developed to predict the effect of sequence changes on RNA splicing suggest that this variant may disrupt the consensus splice site. In summary, the currently available evidence indicates that the variant is pathogenic, but additional data are needed to prove that conclusively. Therefore, this variant has been classified as Likely Pathogenic.

Literature cited by the submitters: PubMed 16199547; PubMed 26073778; PubMed 26541327; PubMed 27789416; PubMed 28031453.